The following is an entry in ClinVar:

ClinVar aggregate classification (germline): Benign/Likely benign. Review status: criteria provided, multiple submitters, no conflicts (2 of 4 stars). 3 submissions from 3 submitters: Benign (1); Likely benign (2). Last evaluated 2026-01-27.

Allele frequency attached by ClinVar (database versions not stated): gnomAD exomes 0.00045 and 0.00102; ExAC 0.00046; gnomAD 0.00059 and 0.00061; TOPMed 0.00060; ESP Exome Variant Server 0.00066.
gnomAD v4.1: 1,166 of 1,196,748 alleles (0.097%); highest among the groups gnomAD compares: Non-Finnish European, 0.12%; 1 homozygote.

Submissions (3):

Labcorp Genetics (formerly Invitae), Labcorp
Classification: Benign. Last evaluated: 2026-01-27. Review status: criteria provided, single submitter. Criteria: Invitae Variant Classification Sherloc (09022015). Collection method: clinical testing. Allele origin: germline.

Blueprint Genetics
Classification: Likely benign. Last evaluated: 2024-11-24. Review status: criteria provided, single submitter. Criteria: ACMG Guidelines, 2015. Collection method: clinical testing. Allele origin: germline.

CeGaT Center for Human Genetics Tuebingen
Classification: Likely benign. Last evaluated: 2024-01-01. Review status: criteria provided, single submitter. Criteria: CeGaT Center For Human Genetics Tuebingen Variant Classification Criteria Version 2. Collection method: clinical testing. Allele origin: germline. Affected: yes. Observed: 1 variant allele.
Comment: POLA1: BP4, BP7, BS2

NM_001330360.2(POLA1):c.3183C>T (p.Tyr1061=)

Gene: POLA1 (DNA polymerase alpha 1, catalytic subunit; plus strand). Cytogenetic location: Xp22.11.
Variant type: single nucleotide variant.
Coding change: c.3183C>T on transcript NM_001330360.2 (MANE Select); coding-DNA position 3183, C replaced by T.
Protein change: p.Tyr1061=; no amino-acid change (tyrosine 1061 retained).
Molecular consequence: synonymous variant. On other transcripts: non-coding transcript variant (2).
Genome position (GRCh38, 1-based): chrX:24,812,750, C>T. VCF-style: chrX-24812750-C-T. GRCh37 (hg19) VCF-style: chrX-24830867-C-T.
Other names: c.3108C>T, p.Tyr1036= (NM_001378303.1); c.3165C>T, p.Tyr1055= (NM_016937.4).
Identifiers: ClinVar variation 1164789 (VCV001164789.32), dbSNP rs61751428, ClinGen allele CA10373489.